The following is an entry in ClinVar:

ClinVar aggregate classification (germline): Pathogenic. Review status: criteria provided, multiple submitters, no conflicts (2 of 4 stars). 2 submissions from 2 submitters: Pathogenic (2). Last evaluated 2025-03-19.

Conditions:
Telangiectasia, hereditary hemorrhagic, type 2 (HHT2). Also called: ACVRL1-Related Hereditary Hemorrhagic Telangiectasia; Telangiectasia, hereditary hemorrhagic, type II. Identifiers: Orphanet 774, MedGen C1838163, MONDO:0010880, OMIM 600376. Disease mechanism: loss of function.

Submissions (2):

Mayo Clinic Laboratories, Mayo Clinic
Classification: Pathogenic. Last evaluated: 2025-03-19. Review status: criteria provided, single submitter. Criteria: ACMG Guidelines, 2015. Collection method: clinical testing. Allele origin: germline. Observed: 1 variant allele.
Comment: PM2_supporting, PS4_supporting, PVS1

Labcorp Genetics (formerly Invitae), Labcorp
Classification: Pathogenic for Telangiectasia, hereditary hemorrhagic, type 2. Last evaluated: 2019-01-29. Review status: criteria provided, single submitter. Criteria: Invitae Variant Classification Sherloc (09022015). Collection method: clinical testing. Allele origin: germline.
Comment: For these reasons, this variant has been classified as Pathogenic. This sequence change creates a premature translational stop signal (p.Gln64*) in the ACVRL1 gene. It is expected to result in an absent or disrupted protein product. This variant is not present in population databases (ExAC no frequency). This variant has not been reported in the literature in individuals with ACVRL1-related conditions. Loss-of-function variants in ACVRL1 are known to be pathogenic (PMID: 15879500).

Literature cited by the submitters: PubMed 32503579 (cited by Mayo Clinic Laboratories, Mayo Clinic); PubMed 15879500 (cited by Labcorp Genetics (formerly Invitae), Labcorp).

NM_000020.3(ACVRL1):c.190C>T (p.Gln64Ter)

Gene: ACVRL1 (activin A receptor like type 1; plus strand). Cytogenetic location: 12q13.13.
Variant type: single nucleotide variant.
Coding change: c.190C>T on transcript NM_000020.3 (MANE Select); coding-DNA position 190, C replaced by T.
Protein change: p.Gln64Ter; replaces glutamine 64 with a stop codon.
Molecular consequence: nonsense.
Genome position (GRCh38, 1-based): chr12:51,913,227, C>T. VCF-style: chr12-51913227-C-T. GRCh37 (hg19) VCF-style: chr12-52307011-C-T.
Other names: p.Gln64*; c.190C>T, p.Gln64Ter (NM_001077401.2); short protein forms Q64*.
Identifiers: ClinVar variation 643072 (VCV000643072.9), dbSNP rs1592221728, ClinGen allele CA384897866.
Genomic context (GRCh38, chr12:51,913,227, plus strand): 5'-CCTACCTGCCGGGGGGCCTGGTGCACAGTAGTGCTGGTGCGGGAGGAGGGGAGGCACCCC[C>T]AGGAACATCGGGGCTGCGGGAACTTGCACAGGGAGCTCTGCAGGGGGCGCCCCACCGAGT-3'